The following is an entry in ClinVar:

NM_001130823.3(DNMT1):c.1206G>C (p.Leu402=)

Gene: DNMT1 (DNA methyltransferase 1; minus strand). Cytogenetic location: 19p13.2.
Variant type: single nucleotide variant.
Coding change: c.1206G>C on transcript NM_001130823.3 (MANE Select); coding-DNA position 1206, G replaced by C.
Protein change: p.Leu402=; no amino-acid change (leucine 402 retained).
Molecular consequence: synonymous variant.
Genome position (GRCh38, 1-based): chr19:10,159,732, C>G on the plus strand (G>C on the coding strand, the complement: DNMT1 is on the minus strand). VCF-style: chr19-10159732-C-G. GRCh37 (hg19) VCF-style: chr19-10270408-C-G.
Other names: c.1206G>C (LRG_362t1, NM_001130823.2); c.1158G>C, p.Leu386= (NM_001318730.2, NM_001379.4); c.843G>C, p.Leu281= (NM_001318731.2).
Identifiers: ClinVar variation 383726 (VCV000383726.38), dbSNP rs147235870, ClinGen allele CA9188353.

ClinVar aggregate classification (germline): Benign/Likely benign. Review status: criteria provided, multiple submitters, no conflicts (2 of 4 stars). 5 submissions from 5 submitters: Benign (2); Likely benign (2). 1 of the submissions does not count toward it. Last evaluated 2026-01-19.

Conditions:
DNMT1-related disorder. Also called: DNMT1-related condition. Identifiers: MedGen CN381527.
Hereditary sensory neuropathy-deafness-dementia syndrome. Also called: HSN IE; Hereditary sensory neuropathy type IE; Hereditary Sensory and Autonomic Neuropathy Type 1E (HSAN1E); NEUROPATHY, HEREDITARY SENSORY, WITH HEARING LOSS AND DEMENTIA. Identifiers: Orphanet 456318, MedGen C3279885, MONDO:0013584, OMIM 614116.

Allele frequency attached by ClinVar (database versions not stated): 1000 Genomes Project 0.00060; 1000 Genomes Project 30x 0.00094; gnomAD 0.00145 and 0.00163; TOPMed 0.00155; ESP Exome Variant Server 0.00185; gnomAD exomes 0.00016 and 0.00034; ExAC 0.00048.
gnomAD v4.1: 453 of 1,614,232 alleles (0.028%); highest among the groups gnomAD compares: African/African-American, 0.56%; 2 homozygotes.

Submissions (5):

Labcorp Genetics (formerly Invitae), Labcorp
Classification: Benign for Hereditary sensory neuropathy-deafness-dementia syndrome. Last evaluated: 2026-01-19. Review status: criteria provided, single submitter. Criteria: Invitae Variant Classification Sherloc (09022015). Collection method: clinical testing. Allele origin: germline.

CeGaT Center for Human Genetics Tuebingen
Classification: Likely benign. Last evaluated: 2025-08-01. Review status: criteria provided, single submitter. Criteria: CeGaT Center For Human Genetics Tuebingen Variant Classification Criteria Version 2. Collection method: clinical testing. Allele origin: germline. Affected: yes. Observed: 2 variant alleles.
Comment: DNMT1: BP4, BP7

Blueprint Genetics
Classification: Likely benign. Last evaluated: 2024-06-05. Review status: criteria provided, single submitter. Criteria: ACMG Guidelines, 2015. Collection method: clinical testing. Allele origin: germline.

GeneDx
Classification: Benign. Last evaluated: 2019-10-03. Review status: criteria provided, single submitter. Criteria: GeneDx Variant Classification Process June 2021. Collection method: clinical testing. Allele origin: germline. Affected: yes.

PreventionGenetics, part of Exact Sciences
Classification: Benign for DNMT1-related condition. Last evaluated: 2019-09-17. Review status: no assertion criteria provided. Collection method: clinical testing. Allele origin: germline. Not counted in ClinVar's aggregate classification.
Comment: This variant is classified as benign based on ACMG/AMP sequence variant interpretation guidelines (Richards et al. 2015 PMID: 25741868, with internal and published modifications).